The following is an entry in ClinVar:

NM_016169.4(SUFU):c.367C>A (p.Arg123Ser)

Gene: SUFU (SUFU negative regulator of hedgehog signaling; plus strand). Cytogenetic location: 10q24.32.
Variant type: single nucleotide variant.
Coding change: c.367C>A on transcript NM_016169.4 (MANE Select); coding-DNA position 367, C replaced by A.
Protein change: p.Arg123Ser; replaces arginine 123 with serine.
Molecular consequence: missense variant.
Genome position (GRCh38, 1-based): chr10:102,550,019, C>A. VCF-style: chr10-102550019-C-A. GRCh37 (hg19) VCF-style: chr10-104309776-C-A.
Other names: c.367C>A, p.Arg123Ser (NM_001178133.2); short protein forms R123S.
Identifiers: ClinVar variation 1733860 (VCV001733860.2), dbSNP rs202247756, ClinGen allele CA377903242.

ClinVar aggregate classification (germline): Uncertain significance (1 of 4 stars; one submission).

Conditions:
Hereditary cancer-predisposing syndrome. Also called: Neoplastic Syndromes, Hereditary; Tumor predisposition; Hereditary Cancer Syndrome; Hereditary neoplastic syndrome. Identifiers: Orphanet 140162, MedGen C0027672, MeSH D009386, MONDO:0015356.

Submission:

Ambry Genetics
Classification: Uncertain significance for Hereditary cancer-predisposing syndrome. Last evaluated: 2022-05-26. Review status: criteria provided, single submitter. Criteria: Ambry Variant Classification Scheme 2023. Collection method: clinical testing. Allele origin: germline.
Comment: The p.R123S variant (also known as c.367C>A), located in coding exon 3 of the SUFU gene, results from a C to A substitution at nucleotide position 367. The arginine at codon 123 is replaced by serine, an amino acid with dissimilar properties. This amino acid position is conserved. In addition, this alteration is predicted to be deleterious by in silico analysis. Since supporting evidence is limited at this time, the clinical significance of this alteration remains unclear.